The following is an entry in ClinVar:

NM_002283.4(KRT85):c.232C>A (p.Arg78Ser)

Gene: KRT85 (keratin 85; minus strand). Cytogenetic location: 12q13.13.
Variant type: single nucleotide variant.
Coding change: c.232C>A on transcript NM_002283.4 (MANE Select); coding-DNA position 232, C replaced by A.
Protein change: p.Arg78Ser; replaces arginine 78 with serine.
Molecular consequence: missense variant.
Genome position (GRCh38, 1-based): chr12:52,367,174, G>T on the plus strand (C>A on the coding strand, the complement: KRT85 is on the minus strand). VCF-style: chr12-52367174-G-T. GRCh37 (hg19) VCF-style: chr12-52760958-G-T.
Other names: short protein forms R78S.
Identifiers: ClinVar variation 4538074 (VCV004538074.1).

ClinVar aggregate classification (germline): Uncertain significance (1 of 4 stars; one submission).

Submission:

GeneDx
Classification: Uncertain significance. Last evaluated: 2025-06-09. Review status: criteria provided, single submitter. Criteria: GeneDx Variant Classification Process June 2021. Collection method: clinical testing. Allele origin: germline. Affected: yes.
Comment: Not observed at significant frequency in large population cohorts (gnomAD); In silico analysis suggests that this missense variant does not alter protein structure/function; Has not been previously published as pathogenic or benign to our knowledge